The following is an entry in ClinVar:

ClinVar aggregate classification (germline): Likely benign (1 of 4 stars; one submission).

Submission:

CeGaT Center for Human Genetics Tuebingen
Classification: Likely benign. Last evaluated: 2026-05-01. Review status: criteria provided, single submitter. Criteria: CeGaT Center For Human Genetics Tuebingen Variant Classification Criteria Version 2. Collection method: clinical testing. Allele origin: germline. Affected: yes. Observed: 1 variant allele.
Comment: MSLNL: BP4, BP7

NC_000016.10:g.780701A>G

Variant type: single nucleotide variant.
Genome position: GRCh38 VCF-style: chr16-780701-A-G. GRCh37 (hg19) VCF-style: chr16-830701-A-G.
Identifiers: ClinVar variation 4872662 (VCV004872662.2).